The following is an entry in ClinVar:

NM_023067.4(FOXL2):c.319A>G (p.Ser107Gly)

Gene: FOXL2 (forkhead box L2; minus strand). Cytogenetic location: 3q22.3.
Variant type: single nucleotide variant.
Coding change: c.319A>G on transcript NM_023067.4 (MANE Select); coding-DNA position 319, A replaced by G.
Protein change: p.Ser107Gly; replaces serine 107 with glycine.
Molecular consequence: missense variant.
Genome position (GRCh38, 1-based): chr3:138,946,404, T>C on the plus strand (A>G on the coding strand, the complement: FOXL2 is on the minus strand). VCF-style: chr3-138946404-T-C. GRCh37 (hg19) VCF-style: chr3-138665246-T-C.
Other names: short protein forms S107G.
Identifiers: ClinVar variation 369906 (VCV000369906.3), dbSNP rs1057516157, ClinGen allele CA10654888.
Genomic context (GRCh38, chr3:138,946,404, plus strand): 5'-AGTTGCCCTTGCGCTCGCCGCCGCCCTCGCGCGGCACCTTGATGAAGCACTCGTTGAGGC[T>C]GAGGTTGTGGCGGATGCTATTTTGCCAGCCCTTCTTATTCTTCTCGTAGAACGGGAACTT-3'
Protein context (NP_075555.1, residues 97-117): GWQNSIRHNL[Ser107Gly]LNECFIKVPR

ClinVar aggregate classification (germline): Likely pathogenic. Review status: criteria provided, multiple submitters, no conflicts (2 of 4 stars). 2 submissions from 2 submitters: Likely pathogenic (2). Last evaluated 2024-07-24.

Conditions:
Blepharophimosis, ptosis, and epicanthus inversus syndrome. Identifiers: Orphanet 126, MedGen C0220663, MONDO:0007201, OMIM 110100.

Submissions (2):

Labcorp Genetics (formerly Invitae), Labcorp
Classification: Likely pathogenic. Last evaluated: 2024-07-24. Review status: criteria provided, single submitter. Criteria: Invitae Variant Classification Sherloc (09022015). Collection method: clinical testing. Allele origin: germline.
Comment: This sequence change replaces serine, which is neutral and polar, with glycine, which is neutral and non-polar, at codon 107 of the FOXL2 protein (p.Ser107Gly). This variant is not present in population databases (gnomAD no frequency). This missense change has been observed in individual(s) with blepharophimosis, ptosis, and epicanthus inversus syndrome (Invitae). In at least one individual the variant was observed to be de novo. ClinVar contains an entry for this variant (Variation ID: 369906). An algorithm developed to predict the effect of missense changes on protein structure and function (PolyPhen-2) suggests that this variant is likely to be disruptive. This variant disrupts the p.Ser107 amino acid residue in FOXL2. Other variant(s) that disrupt this residue have been observed in individuals with FOXL2-related conditions (PMID: 33796131), which suggests that this may be a clinically significant amino acid residue. In summary, the currently available evidence indicates that the variant is pathogenic, but additional data are needed to prove that conclusively. Therefore, this variant has been classified as Likely Pathogenic.

Genomic Diagnostic Laboratory, Division of Genomic Diagnostics, Children's Hospital of Philadelphia
Classification: Likely pathogenic for Blepharophimosis, ptosis, and epicanthus inversus syndrome. Last evaluated: 2016-11-03. Review status: criteria provided, single submitter. Criteria: DGD Variant Analysis Guidelines. Collection method: clinical testing. Allele origin: germline. Affected: yes. Observed: 1 variant allele.
Comment: Clinical Testing

Literature cited by the submitters: PubMed 33796131 (cited by Labcorp Genetics (formerly Invitae), Labcorp).